The following is an entry in ClinVar:

NM_000431.4(MVK):c.819G>A (p.Leu273=)

Gene: MVK (mevalonate kinase; plus strand). Cytogenetic location: 12q24.11.
Variant type: single nucleotide variant.
Coding change: c.819G>A on transcript NM_000431.4 (MANE Select); coding-DNA position 819, G replaced by A.
Protein change: p.Leu273=; no amino-acid change (leucine 273 retained).
Molecular consequence: synonymous variant.
Genome position (GRCh38, 1-based): chr12:109,591,291, G>A. VCF-style: chr12-109591291-G-A. GRCh37 (hg19) VCF-style: chr12-110029096-G-A.
Other names: c.819G>A, p.Leu273= (NM_001114185.3); c.663G>A, p.Leu221= (NM_001301182.2); c.819G>A (LRG_156t1).
Identifiers: ClinVar variation 234637 (VCV000234637.5), dbSNP rs876661134, ClinGen allele CA10577434.

ClinVar aggregate classification (germline): Conflicting classifications of pathogenicity. Review status: criteria provided, conflicting classifications (1 of 4 stars). 2 submissions from 2 submitters: Uncertain significance (1); Likely benign (1). Last evaluated 2025-06-12.

Conditions:
Hyperimmunoglobulin D with periodic fever (HIDS). Also called: HYPERIMMUNOGLOBULINEMIA D AND PERIODIC FEVER SYNDROME; Hyperimmunoglobulinemia D; Hyperimmunoglobulinemia D with periodic fever. Identifiers: Orphanet 343, MedGen C0398691, MONDO:0009849, OMIM 260920.
Mevalonic aciduria (MEVA). Identifiers: Orphanet 29, MedGen C1959626, MONDO:0012481, OMIM 610377.
Porokeratosis 3, disseminated superficial actinic type (POROK3). Also called: POROKERATOSIS 3, MULTIPLE TYPES; POROKERATOSIS 3, MIBELLI TYPE; POROKERATOSIS, DISSEMINATED SUPERFICIAL ACTINIC, 1. Identifiers: MedGen C1867981, MONDO:0008293, OMIM 175900.

Allele frequency attached by ClinVar (database versions not stated): gnomAD exomes below 0.00001; TOPMed below 0.00001; gnomAD 0.00001.
gnomAD v4.1: 4 of 1,614,090 alleles (0.00025%); highest among the groups gnomAD compares: Non-Finnish European, 0.00034%; no homozygotes.

Submissions (2):

Labcorp Genetics (formerly Invitae), Labcorp
Classification: Likely benign for Mevalonic aciduria; Hyperimmunoglobulin D with periodic fever; Porokeratosis 3, disseminated superficial actinic type. Last evaluated: 2025-06-12. Review status: criteria provided, single submitter. Criteria: Invitae Variant Classification Sherloc (09022015). Collection method: clinical testing. Allele origin: germline.

GeneDx
Classification: Uncertain significance. Last evaluated: 2015-12-08. Review status: criteria provided, single submitter. Criteria: GeneDx Variant Classification (06012015). Collection method: clinical testing. Allele origin: germline. Affected: yes.
Comment: To our knowledge, the c.819 G>A variant has not been published as a pathogenic variant, nor has it been reported as a benign variant. The c.819 G>A variant results in a synonymous amino acid substitution (L237L) and splice algorithms predict that this variant creates a weak cryptic splice acceptor site downstream from the natural acceptor site. This substitution occurs at a position that is conserved in mammals. In addition, c.819 G>A was not observed in approximately 6,500 individuals of European and African American ancestry in the NHLBI Exome Sequencing Project, indicating it is not a common benign variant in these populations. Therefore, based on the currently available information, it is unclear whether this variant is a pathogenic variant or a rare benign variant.